The following is an entry in ClinVar:

NM_000218.3(KCNQ1):c.829T>C (p.Ser277Pro)

Gene: KCNQ1 (potassium voltage-gated channel subfamily Q member 1; plus strand). Cytogenetic location: 11p15.5.
Variant type: single nucleotide variant.
Coding change: c.829T>C on transcript NM_000218.3 (MANE Select); coding-DNA position 829, T replaced by C.
Protein change: p.Ser277Pro; replaces serine 277 with proline.
Molecular consequence: missense variant.
Genome position (GRCh38, 1-based): chr11:2,572,894, T>C. VCF-style: chr11-2572894-T-C. GRCh37 (hg19) VCF-style: chr11-2594124-T-C.
Other names: c.829T>C (LRG_287t1); c.829T>C, p.Ser277Pro (NM_001406836.1); c.559T>C, p.Ser187Pro (NM_001406837.1); c.448T>C, p.Ser150Pro (NM_181798.2); short protein forms S277P, S150P, S187P.
Identifiers: ClinVar variation 67110 (VCV000067110.3), dbSNP rs199473461, ClinGen allele CA008421.

ClinVar aggregate classification (germline): not provided (0 of 4 stars; one submission).

Conditions:
Familial long QT syndrome (RWS). Also called: Congenital long QT syndrome; Romano-Ward syndrome; VENTRICULAR FIBRILLATION WITH PROLONGED QT INTERVAL. Identifiers: Orphanet 768, MedGen C1141890, MONDO:0019171.

Submission:

Cardiovascular Biomedical Research Unit, Royal Brompton & Harefield NHS Foundation Trust
No classification provided. Condition: Familial long QT syndrome. Review status: no classification provided. Collection method: literature only. Allele origin: germline.
Comment: This variant has been reported as associated with Long QT syndrome in the following publications (PMID:19716085). This is a literature report, and does not necessarily reflect the clinical interpretation of the Imperial College / Royal Brompton Cardiovascular Genetics laboratory.

Literature cited by the submitters: PubMed 19716085; PubMed 22581653.